The following is an entry in ClinVar:

ClinVar aggregate classification (germline): Likely benign. Review status: reviewed by expert panel (3 of 4 stars). 4 submissions from 4 submitters: Likely benign (1). 3 of the submissions do not count toward it. Last evaluated 2024-02-27.

Conditions:
Very long chain acyl-CoA dehydrogenase deficiency (ACADVLD). Also called: VLCAD Deficiency; Very Long-Chain Acyl-Coenzyme A Dehydrogenase Deficiency. Identifiers: Orphanet 26793, MedGen C3887523, MONDO:0008723, OMIM 201475.

Allele frequency attached by ClinVar (database versions not stated): TOPMed below 0.00001; gnomAD 0.00001; gnomAD exomes 0.00001.
gnomAD v4.1: 16 of 1,614,206 alleles (0.00099%); highest among the groups gnomAD compares: Middle Eastern, 0.13%; no homozygotes.

Submissions (4):

ClinGen ACADVL Variant Curation Expert Panel, ClinGen
Classification: Likely benign for Very long chain acyl-CoA dehydrogenase deficiency. Last evaluated: 2024-02-27. Review status: reviewed by expert panel. Criteria: clingen acadvl acmg specifications v1. Collection method: curation. Allele origin: germline. Inheritance: Autosomal recessive inheritance.
Comment: The NM_000018.4 c.189A>G (p.Lys63=) variant in ACADVL is a synonymous (silent) variant that is not predicted by SpliceSiteFinder, MaxEntScn and NNSplice to impact splicing. In addition, it occurs at a nucleotide that is weakly conserved as shown by phyloP (BP4, BP7). This variant is absent from gnomAD v2.1.1 (PM2_Supporting). In summary, although this variant meets PM2_Supporting, this variant meets the criteria to be classified as likely benign for autosomal recessive very long chain acyl-CoA dehydrogenase (VLCAD) deficiency based on the ACMG/AMP criteria applied, as specified by the ClinGen ACADVL Variant Curation Expert Panel: BP4, BP7 (VCEP specifications v2.0, approved on 09/16/2021).

Labcorp Genetics (formerly Invitae), Labcorp
Classification: Likely benign for Very long chain acyl-CoA dehydrogenase deficiency. Last evaluated: 2025-06-29. Review status: criteria provided, single submitter. Criteria: Invitae Variant Classification Sherloc (09022015). Collection method: clinical testing. Allele origin: germline. Not counted in ClinVar's aggregate classification.

Blueprint Genetics
Classification: Likely benign. Last evaluated: 2024-09-27. Review status: criteria provided, single submitter. Criteria: ACMG Guidelines, 2015. Collection method: clinical testing. Allele origin: germline. Not counted in ClinVar's aggregate classification.

Eurofins Ntd Llc (ga)
Classification: Uncertain significance. Last evaluated: 2014-02-03. Review status: criteria provided, single submitter. Criteria: EGL Classification Definitions 2015. Collection method: clinical testing. Allele origin: germline. Observed: 1 variant allele, 1 heterozygote. Not counted in ClinVar's aggregate classification.

NM_000018.4(ACADVL):c.189A>G (p.Lys63=)

Gene: ACADVL (acyl-CoA dehydrogenase very long chain; plus strand). Cytogenetic location: 17p13.1.
Variant type: single nucleotide variant.
Coding change: c.189A>G on transcript NM_000018.4 (MANE Select); coding-DNA position 189, A replaced by G.
Protein change: p.Lys63=; no amino-acid change (lysine 63 retained).
Molecular consequence: synonymous variant. On other transcripts: 5 prime UTR variant (1), intron variant (1).
Genome position (GRCh38, 1-based): chr17:7,220,514, A>G. VCF-style: chr17-7220514-A-G. GRCh37 (hg19) VCF-style: chr17-7123833-A-G.
Other names: NM_000018.4(ACADVL):c.189A>G; p.Lys63=; c.258A>G, p.Lys86= (NM_001270447.2); c.-40A>G (NM_001270448.2); c.139-90A>G (NM_001033859.3).
Identifiers: ClinVar variation 166640 (VCV000166640.15), dbSNP rs727503790, ClinGen allele CA233429.
Genomic context (GRCh38, chr17:7,220,514, plus strand): 5'-CTTTTCCCAGCTGGCTCTGGACAAGTCAGATTCCCACCCCTCTGACGCTCTGACCAGGAA[A>G]AAACCGGCCAAGGCGGTAGGTAGCCCCGAGGCCAGGTGGACCTTAGCCAGACCCAACCAG-3'
Protein context (NP_000009.1, residues 53-73): DSHPSDALTR[Lys63=]KPAKAESKSF